The following is an entry in ClinVar:

NM_000202.8(IDS):c.1508T>C (p.Val503Ala)

Gene: IDS (iduronate 2-sulfatase; minus strand). Cytogenetic location: Xq28.
Variant type: single nucleotide variant.
Coding change: c.1508T>C on transcript NM_000202.8 (MANE Select); coding-DNA position 1508, T replaced by C.
Protein change: p.Val503Ala; replaces valine 503 with alanine.
Molecular consequence: missense variant.
Genome position (GRCh38, 1-based): chrX:149,482,891, A>G on the plus strand (T>C on the coding strand, the complement: IDS is on the minus strand). VCF-style: chrX-149482891-A-G. GRCh37 (hg19) VCF-style: chrX-148564422-A-G.
Other names: c.1238T>C, p.Val413Ala (NM_001166550.4); short protein forms V413A, V503A.
Identifiers: ClinVar variation 4770968 (VCV004770968.1).

ClinVar aggregate classification (germline): Uncertain significance (1 of 4 stars; one submission).

Conditions:
Mucopolysaccharidosis, MPS-II (MPS2). Also called: Attenuated MPS (subtype; formerly known as mild MPS II); Severe MPS II; I2S deficiency; MPS 2; Hunter Syndrome; IDURONATE 2-SULFATASE DEFICIENCY. Identifiers: Orphanet 580, Orphanet 79388, MedGen C0026705, MONDO:0010674, OMIM 309900.

Submission:

Labcorp Genetics (formerly Invitae), Labcorp
Classification: Uncertain significance for Mucopolysaccharidosis, MPS-II. Last evaluated: 2025-04-17. Review status: criteria provided, single submitter. Criteria: Invitae Variant Classification Sherloc (09022015). Collection method: clinical testing. Allele origin: germline.
Comment: This sequence change replaces valine, which is neutral and non-polar, with alanine, which is neutral and non-polar, at codon 503 of the IDS protein (p.Val503Ala). This variant is not present in population databases (gnomAD no frequency). This variant has not been reported in the literature in individuals affected with IDS-related conditions. Invitae Evidence Modeling of protein sequence and biophysical properties (such as structural, functional, and spatial information, amino acid conservation, physicochemical variation, residue mobility, and thermodynamic stability) indicates that this missense variant is expected to disrupt IDS protein function with a positive predictive value of 80%. This variant disrupts the p.Val503 amino acid residue in IDS. Other variant(s) that disrupt this residue have been determined to be pathogenic (PMID: 24125893; internal data). This suggests that this residue is clinically significant, and that variants that disrupt this residue are likely to be disease-causing. In summary, the available evidence is currently insufficient to determine the role of this variant in disease. Therefore, it has been classified as a Variant of Uncertain Significance.

Literature cited by the submitters: PubMed 24125893.